The following is an entry in ClinVar:

ClinVar aggregate classification (germline): Uncertain significance (1 of 4 stars; one submission).

Submission:

GeneDx
Classification: Uncertain significance. Last evaluated: 2025-02-07. Review status: criteria provided, single submitter. Criteria: GeneDx Variant Classification Process June 2021. Collection method: clinical testing. Allele origin: germline. Affected: yes.
Comment: Not observed at significant frequency in large population cohorts (gnomAD); In silico analysis supports that this missense variant has a deleterious effect on protein structure/function; Has not been previously published as pathogenic or benign to our knowledge

NM_007118.4(TRIO):c.4034A>C (p.Gln1345Pro)

Gene: TRIO (trio Rho guanine nucleotide exchange factor; plus strand). Cytogenetic location: 5p15.2.
Variant type: single nucleotide variant.
Coding change: c.4034A>C on transcript NM_007118.4 (MANE Select); coding-DNA position 4034, A replaced by C.
Protein change: p.Gln1345Pro; replaces glutamine 1345 with proline.
Molecular consequence: missense variant. On other transcripts: non-coding transcript variant (1).
Genome position (GRCh38, 1-based): chr5:14,389,374, A>C. VCF-style: chr5-14389374-A-C. GRCh37 (hg19) VCF-style: chr5-14389483-A-C.
Other names: short protein forms Q1345P.
Identifiers: ClinVar variation 4074625 (VCV004074625.1).